The following is an entry in ClinVar:

NM_198586.3(NHLRC1):c.612del (p.Phe204fs)

Gene: NHLRC1 (NHL repeat containing E3 ubiquitin protein ligase 1; minus strand). Cytogenetic location: 6p22.3.
Variant type: Deletion.
Coding change: c.612del on transcript NM_198586.3 (MANE Select); coding-DNA position 612, one base deleted (T; older notation c.612delT).
Protein change: p.Phe204fs; shifts the reading frame from phenylalanine 204.
Molecular consequence: frameshift variant.
Genome position (GRCh38, 1-based): chr6:18,121,995, A deleted on the plus strand (T on the coding strand, the reverse complement: NHLRC1 is on the minus strand); the first of 7 consecutive A bases (chr6:18,121,995-18,122,001); deleting any one gives the same sequence. VCF-style (leftmost placement, unchanged base first): chr6-18121994-CA-C. GRCh37 (hg19) VCF-style: chr6-18122225-CA-C.
Other names: short protein forms F204fs.
Identifiers: ClinVar variation 943845 (VCV000943845.10), dbSNP rs1171412241, ClinGen allele CA448957932.

ClinVar aggregate classification (germline): Pathogenic (1 of 4 stars; one submission).

Conditions:
Lafora disease. Also called: Epilepsy progressive myoclonic 2; Progressive Myoclonus Epilepsy, Lafora Type. Identifiers: Orphanet 501, MedGen C0751783, MONDO:0009697.

Submission:

Labcorp Genetics (formerly Invitae), Labcorp
Classification: Pathogenic for Lafora disease. Last evaluated: 2019-05-20. Review status: criteria provided, single submitter. Criteria: Invitae Variant Classification Sherloc (09022015). Collection method: clinical testing. Allele origin: germline.
Comment: This variant disrupts the C-terminus of the NHLRC1 protein. Other variant(s) that disrupt this region (p.Ser300Valfs*13) have been determined to be pathogenic (PMID: 16021330). This suggests that variants that disrupt this region of the protein are likely to be causative of disease. For these reasons, this variant has been classified as Pathogenic. This variant has been observed in an individual affected with Lafora disease (PMID: 16529633). This variant is also known as 907delT in the literature. This variant is not present in population databases (ExAC no frequency). This sequence change results in a premature translational stop signal in the NHLRC1 gene (p.Phe204Leufs*28). While this is not anticipated to result in nonsense mediated decay, it is expected to disrupt the last 192 amino acids of the NHLRC1 protein.

Literature cited by the submitters: PubMed 16021330; PubMed 16529633.